The following is an entry in ClinVar:

ClinVar aggregate classification (germline): Uncertain significance. Review status: criteria provided, multiple submitters, no conflicts (2 of 4 stars). 2 submissions from 2 submitters: Uncertain significance (2). Last evaluated 2025-06-11.

Conditions:
Hypertrophic cardiomyopathy. Also called: HYPERTROPHIC MYOCARDIOPATHY. Identifiers: Orphanet 217569, MedGen C0007194, MeSH D002312, MONDO:0005045, HP:0001639.
Cardiomyopathy (CMYO). Also called: Cardiomyopathies. Identifiers: Orphanet 167848, MedGen C0878544, MONDO:0004994, HP:0001638. Inheritance: Various modes of inheritance.

Allele frequency attached by ClinVar (database versions not stated): gnomAD exomes below 0.00001; TOPMed below 0.00001.
gnomAD v4.1: 2 of 1,605,774 alleles (0.00012%); highest among the groups gnomAD compares: Middle Eastern, 0.017%; no homozygotes.

Submissions (2):

Color Diagnostics, LLC DBA Color Health
Classification: Uncertain significance for Cardiomyopathy. Last evaluated: 2025-06-11. Review status: criteria provided, single submitter. Criteria: ACMG Guidelines, 2015. Collection method: clinical testing. Allele origin: germline.
Comment: This variant is located in the 5' untranslated region of the PRKAG2 gene. To our knowledge, functional studies have not been reported for this variant. This variant has not been reported in individuals affected with PRKAG2-related disorders in the literature. This variant has not been identified in the general population by the Genome Aggregation Database (gnomAD). The available evidence is insufficient to determine the role of this variant in disease conclusively. Therefore, this variant is classified as a Variant of Uncertain Significance.

All of Us Research Program, National Institutes of Health
Classification: Uncertain significance for Hypertrophic cardiomyopathy. Last evaluated: 2024-01-11. Review status: criteria provided, single submitter. Criteria: ACMG Guidelines, 2015. Collection method: clinical testing. Allele origin: germline. Inheritance: Autosomal dominant inheritance. Observed: 2 variant alleles, 2 heterozygotes.
Comment: This variant is located in the 5' untranslated region of the PRKAG2 gene. To our knowledge, functional studies have not been reported for this variant. This variant has not been reported in individuals affected with PRKAG2-related disorders in the literature. This variant has not been identified in the general population by the Genome Aggregation Database (gnomAD). The available evidence is insufficient to determine the role of this variant in disease conclusively. Therefore, this variant is classified as a Variant of Uncertain Significance.

This study involves interpretation of variants in research participants for the purpose of population health screening. Participant phenotype was not available at the time of variant classification. Additional details can be found in publication PMID: 35346344, PMCID: PMC8962531

NM_016203.4(PRKAG2):c.-15C>T

Gene: PRKAG2 (protein kinase AMP-activated non-catalytic subunit gamma 2; minus strand). Cytogenetic location: 7q36.1.
Variant type: single nucleotide variant.
Coding change: c.-15C>T on transcript NM_016203.4 (MANE Select); 15 bases upstream of the start codon, C replaced by T.
Molecular consequence: 5 prime UTR variant.
Genome position (GRCh38, 1-based): chr7:151,876,635, G>A on the plus strand (C>T on the coding strand, the complement: PRKAG2 is on the minus strand). VCF-style: chr7-151876635-G-A. GRCh37 (hg19) VCF-style: chr7-151573720-G-A.
Other names: c.-15C>T (NM_001407021.1, NM_001407022.1, NM_001407023.1 and 2 more transcripts).
Identifiers: ClinVar variation 3070398 (VCV003070398.2), dbSNP rs2080412986, ClinGen allele CA1752880809.